The following is an entry in ClinVar:

ClinVar aggregate classification (germline): Conflicting classifications of pathogenicity. Review status: criteria provided, conflicting classifications (1 of 4 stars). 4 submissions from 4 submitters: Uncertain significance (2); Likely benign (2). Last evaluated 2025-12-22.

Allele frequency attached by ClinVar (database versions not stated): gnomAD exomes 0.00005 and 0.00010; ExAC 0.00015; TOPMed 0.00043; gnomAD 0.00053; ESP Exome Variant Server 0.00092.
gnomAD v4.1: 164 of 1,614,122 alleles (0.01%); highest among the groups gnomAD compares: African/African-American, 0.19%; no homozygotes.

Submissions (6):

Labcorp Genetics (formerly Invitae), Labcorp
Classification: Likely benign. Last evaluated: 2025-12-22. Review status: criteria provided, single submitter. Criteria: Invitae Variant Classification Sherloc (09022015). Collection method: clinical testing. Allele origin: germline.

Mayo Clinic Laboratories, Mayo Clinic
Classification: Uncertain significance. Last evaluated: 2025-06-26. Review status: criteria provided, single submitter. Criteria: ACMG Guidelines, 2015. Collection method: clinical testing. Allele origin: germline. Observed: 2 variant alleles.

Women's Health and Genetics/Laboratory Corporation of America, LabCorp
Classification: Likely benign. Last evaluated: 2023-08-22. Review status: criteria provided, single submitter. Criteria: LabCorp Variant Classification Summary - May 2015. Collection method: clinical testing. Allele origin: germline.
Comment: Variant summary: C3 c.3490-10T>G alters a non-conserved nucleotide located at a position not widely known to affect splicing. 3/4 computational tools predict no significant impact on normal splicing. However, these predictions have yet to be confirmed by functional studies. The variant allele was found at a frequency of 0.0001 in 251410 control chromosomes (gnomAD). To our knowledge, no occurrence of c.3490-10T>G in individuals affected with C3 Deficiency and no experimental evidence demonstrating its impact on protein function have been reported. Two submitters have cited clinical-significance assessments for this variant to ClinVar after 2014. One submitter classified the variant as likely benign, and one submitter classified the variant as uncertain significance. Based on the evidence outlined above, the variant was classified as likely benign.

AiLife Diagnostics
Classification: Uncertain significance. Last evaluated: 2021-06-15. Review status: criteria provided, single submitter. Criteria: ACMG Guidelines, 2015. Collection method: clinical testing. Allele origin: germline. Affected: yes. Observed: 1 variant allele.

Dr. Peter K. Rogan Lab, Western University
No classification provided (evidence only). Condition: Familial cancer of breast. Review status: no classification provided. Collection method: in vitro. Allele origin: not applicable. Functional consequence: retained intron. Not counted in ClinVar's aggregate classification.

Dr. Peter K. Rogan Lab, Western University
No classification provided (evidence only). Condition: Cervical cancer. Review status: no classification provided. Collection method: in vitro. Allele origin: not applicable. Functional consequence: retained intron. Not counted in ClinVar's aggregate classification.

NM_000064.4(C3):c.3490-10T>G

Gene: C3 (complement C3; minus strand). Cytogenetic location: 19p13.3.
Variant type: single nucleotide variant.
Coding change: c.3490-10T>G on transcript NM_000064.4 (MANE Select); 10 bases into the intron before coding-DNA position 3490, T replaced by G.
Molecular consequence: intron variant.
Genome position (GRCh38, 1-based): chr19:6,686,912, A>C on the plus strand (T>G on the coding strand, the complement: C3 is on the minus strand). VCF-style: chr19-6686912-A-C. GRCh37 (hg19) VCF-style: chr19-6686923-A-C.
Other names: p.?; c.3490-10T>G (NM_000064.3).
Identifiers: ClinVar variation 1586933 (VCV001586933.11), dbSNP rs372843505, ClinGen allele CA9128701.